The following is an entry in ClinVar:

ClinVar aggregate classification (germline): Benign/Likely benign. Review status: criteria provided, multiple submitters, no conflicts (2 of 4 stars). 4 submissions from 4 submitters: Benign (1); Likely benign (3). Last evaluated 2026-01-26.

Conditions:
Cardiovascular phenotype. Identifiers: MedGen CN230736.

Allele frequency attached by ClinVar (database versions not stated): gnomAD 0.00004; TOPMed 0.00005; ExAC 0.00007; gnomAD exomes 0.00011.
gnomAD v4.1: 79 of 1,549,650 alleles (0.0051%); highest among the groups gnomAD compares: Admixed American, 0.022%; no homozygotes.

Submissions (4):

Labcorp Genetics (formerly Invitae), Labcorp
Classification: Likely benign. Last evaluated: 2026-01-26. Review status: criteria provided, single submitter. Criteria: Invitae Variant Classification Sherloc (09022015). Collection method: clinical testing. Allele origin: germline.

CeGaT Center for Human Genetics Tuebingen
Classification: Likely benign. Last evaluated: 2025-07-01. Review status: criteria provided, single submitter. Criteria: CeGaT Center For Human Genetics Tuebingen Variant Classification Criteria Version 2. Collection method: clinical testing. Allele origin: germline. Affected: yes. Observed: 1 variant allele.
Comment: ZNF469: BP4, BP7

Women's Health and Genetics/Laboratory Corporation of America, LabCorp
Classification: Likely benign. Last evaluated: 2025-05-02. Review status: criteria provided, single submitter. Criteria: LabCorp Variant Classification Summary - May 2015. Collection method: clinical testing. Allele origin: germline.

Ambry Genetics
Classification: Benign for Cardiovascular phenotype. Last evaluated: 2021-08-30. Review status: criteria provided, single submitter. Criteria: Ambry Variant Classification Scheme 2023. Collection method: clinical testing. Allele origin: germline.

NM_001367624.2(ZNF469):c.624G>A (p.Pro208=)

Gene: ZNF469 (zinc finger protein 469; plus strand). Cytogenetic location: 16q24.2.
Variant type: single nucleotide variant.
Coding change: c.624G>A on transcript NM_001367624.2 (MANE Select); coding-DNA position 624, G replaced by A.
Protein change: p.Pro208=; no amino-acid change (proline 208 retained).
Molecular consequence: synonymous variant.
Genome position (GRCh38, 1-based): chr16:88,428,094, G>A. VCF-style: chr16-88428094-G-A. GRCh37 (hg19) VCF-style: chr16-88494502-G-A.
Other names: NM_001127464.1:c.624G>A.
Identifiers: ClinVar variation 1565373 (VCV001565373.19), dbSNP rs764375272, ClinGen allele CA8224603.